The following is an entry in ClinVar:

NM_183357.3(ADCY5):c.1603C>A (p.His535Asn)

Gene: ADCY5 (adenylate cyclase 5; minus strand). Cytogenetic location: 3q21.1.
Variant type: single nucleotide variant.
Coding change: c.1603C>A on transcript NM_183357.3 (MANE Select); coding-DNA position 1603, C replaced by A.
Protein change: p.His535Asn; replaces histidine 535 with asparagine.
Molecular consequence: missense variant.
Genome position (GRCh38, 1-based): chr3:123,330,932, G>T on the plus strand (C>A on the coding strand, the complement: ADCY5 is on the minus strand). VCF-style: chr3-123330932-G-T. GRCh37 (hg19) VCF-style: chr3-123049779-G-T.
Other names: c.553C>A, p.His185Asn (NM_001199642.1); c.1603C>A, p.His535Asn (NM_001378259.1); short protein forms H185N, H535N.
Identifiers: ClinVar variation 1502699 (VCV001502699.8), dbSNP rs1941733282, ClinGen allele CA354219865.

ClinVar aggregate classification (germline): Uncertain significance (1 of 4 stars; one submission).

Allele frequency attached by ClinVar (database versions not stated): TOPMed below 0.00001; gnomAD 0.00001.
gnomAD v4.1: 2 of 1,613,856 alleles (0.00012%); no homozygotes.

Submission:

Labcorp Genetics (formerly Invitae), Labcorp
Classification: Uncertain significance. Last evaluated: 2021-02-16. Review status: criteria provided, single submitter. Criteria: Invitae Variant Classification Sherloc (09022015). Collection method: clinical testing. Allele origin: germline.
Comment: This sequence change replaces histidine with asparagine at codon 535 of the ADCY5 protein (p.His535Asn). The histidine residue is highly conserved and there is a small physicochemical difference between histidine and asparagine. This variant is not present in population databases (ExAC no frequency). This variant has been observed in individual(s) with dystonia (Invitae). Advanced modeling of protein sequence and biophysical properties (such as structural, functional, and spatial information, amino acid conservation, physicochemical variation, residue mobility, and thermodynamic stability) performed at Invitae indicates that this missense variant is expected to disrupt ADCY5 protein function. In summary, the available evidence is currently insufficient to determine the role of this variant in disease. Therefore, it has been classified as a Variant of Uncertain Significance.